The following is an entry in ClinVar:

NM_000051.4(ATM):c.3077+209C>G

Gene: ATM (ATM serine/threonine kinase; plus strand). Cytogenetic location: 11q22.3.
Variant type: single nucleotide variant.
Coding change: c.3077+209C>G on transcript NM_000051.4 (MANE Select); 209 bases into the intron after coding-DNA position 3077, C replaced by G.
Molecular consequence: intron variant.
Genome position (GRCh38, 1-based): chr11:108,271,615, C>G. VCF-style: chr11-108271615-C-G. GRCh37 (hg19) VCF-style: chr11-108142342-C-G.
Other names: c.3077+209C>G (NM_001351834.2).
Identifiers: ClinVar variation 683443 (VCV000683443.1), dbSNP rs184668394, ClinGen allele CA228410188.

ClinVar aggregate classification (germline): Likely benign (1 of 4 stars; one submission).

Allele frequency attached by ClinVar (database versions not stated): 1000 Genomes Project 30x 0.00219; 1000 Genomes Project 0.00220; gnomAD 0.00293 and 0.00325; TOPMed 0.00314.
gnomAD v4.1: 441 of 152,318 alleles (0.29%); highest among the groups gnomAD compares: African/African-American, 1%; 1 homozygote.

Submission:

GeneDx
Classification: Likely benign. Last evaluated: 2018-06-18. Review status: criteria provided, single submitter. Criteria: GeneDx Variant Classification (06012015). Collection method: clinical testing. Allele origin: germline. Affected: yes.
Comment: This variant is considered likely benign or benign based on one or more of the following criteria: it is a conservative change, it occurs at a poorly conserved position in the protein, it is predicted to be benign by multiple in silico algorithms, and/or has population frequency not consistent with disease.